The following is an entry in ClinVar:

NM_001127208.3(TET2):c.5603A>T (p.His1868Leu)

Genes: TET2 (tet methylcytosine dioxygenase 2; plus strand), TET2-AS1 (TET2 antisense RNA 1; minus strand). Cytogenetic location: 4q24.
Variant type: single nucleotide variant.
Coding change: c.5603A>T on transcript NM_001127208.3 (MANE Select); coding-DNA position 5603, A replaced by T.
Protein change: p.His1868Leu; replaces histidine 1868 with leucine.
Molecular consequence: missense variant.
Genome position (GRCh38, 1-based): chr4:105,276,113, A>T. VCF-style: chr4-105276113-A-T. GRCh37 (hg19) VCF-style: chr4-106197270-A-T.
Other names: short protein forms H1868L.
Identifiers: ClinVar variation 2703610 (VCV002703610.3), dbSNP rs1270526409, ClinGen allele CA357795819.

ClinVar aggregate classification (germline): Uncertain significance (1 of 4 stars; one submission).

Submission:

Labcorp Genetics (formerly Invitae), Labcorp
Classification: Uncertain significance. Last evaluated: 2023-12-16. Review status: criteria provided, single submitter. Criteria: Invitae Variant Classification Sherloc (09022015). Collection method: clinical testing. Allele origin: germline.
Comment: This sequence change replaces histidine, which is basic and polar, with leucine, which is neutral and non-polar, at codon 1868 of the TET2 protein (p.His1868Leu). This variant is not present in population databases (gnomAD no frequency). This variant has not been reported in the literature in individuals affected with TET2-related conditions. An algorithm developed to predict the effect of missense changes on protein structure and function (PolyPhen-2) suggests that this variant is likely to be disruptive. In summary, the available evidence is currently insufficient to determine the role of this variant in disease. Therefore, it has been classified as a Variant of Uncertain Significance.